The following is an entry in ClinVar:

ClinVar aggregate classification (germline): Benign (1 of 4 stars; one submission).

Allele frequency attached by ClinVar (database versions not stated): 1000 Genomes Project 0.04273; 1000 Genomes Project 30x 0.04466; gnomAD 0.04570 and 0.04602; TOPMed 0.04863; ESP Exome Variant Server 0.05274.
gnomAD v4.1: 62,063 of 1,613,974 alleles (3.8%); highest among the groups gnomAD compares: African/African-American, 6.9%; 1,347 homozygotes.

Submissions 1 to 33 of 129:

GeneDx
Classification: Benign. Last evaluated: 2020-04-27. Review status: criteria provided, single submitter. Criteria: GeneDx Variant Classification Process June 2021. Collection method: clinical testing. Allele origin: germline. Affected: yes.
Comment: This variant is associated with the following publications: (PMID: 31679996)

Dr. Peter K. Rogan Lab, Western University
No classification provided (evidence only). Condition: Familial cancer of breast. Review status: no classification provided. Collection method: in vitro. Allele origin: not applicable. Functional consequence: retained intron. Not counted in ClinVar's aggregate classification.

Dr. Peter K. Rogan Lab, Western University
No classification provided (evidence only). Condition: Acute myeloid leukemia. Review status: no classification provided. Collection method: in vitro. Allele origin: not applicable. Functional consequence: skipped exon, retained intron. Not counted in ClinVar's aggregate classification.

Dr. Peter K. Rogan Lab, Western University
No classification provided (evidence only). Condition: Acute myeloid leukemia. Review status: no classification provided. Collection method: in vitro. Allele origin: not applicable. Functional consequence: skipped exon, retained intron. Not counted in ClinVar's aggregate classification.

Dr. Peter K. Rogan Lab, Western University
No classification provided (evidence only). Condition: Acute myeloid leukemia. Review status: no classification provided. Collection method: in vitro. Allele origin: not applicable. Functional consequence: skipped exon, retained intron. Not counted in ClinVar's aggregate classification.

Dr. Peter K. Rogan Lab, Western University
No classification provided (evidence only). Condition: Acute myeloid leukemia. Review status: no classification provided. Collection method: in vitro. Allele origin: not applicable. Functional consequence: skipped exon, retained intron. Not counted in ClinVar's aggregate classification.

Dr. Peter K. Rogan Lab, Western University
No classification provided (evidence only). Condition: Acute myeloid leukemia. Review status: no classification provided. Collection method: in vitro. Allele origin: not applicable. Functional consequence: skipped exon, retained intron. Not counted in ClinVar's aggregate classification.

Dr. Peter K. Rogan Lab, Western University
No classification provided (evidence only). Condition: Acute myeloid leukemia. Review status: no classification provided. Collection method: in vitro. Allele origin: not applicable. Functional consequence: skipped exon. Not counted in ClinVar's aggregate classification.

Dr. Peter K. Rogan Lab, Western University
No classification provided (evidence only). Condition: Acute myeloid leukemia. Review status: no classification provided. Collection method: in vitro. Allele origin: not applicable. Functional consequence: skipped exon, retained intron. Not counted in ClinVar's aggregate classification.

Dr. Peter K. Rogan Lab, Western University
No classification provided (evidence only). Condition: Acute myeloid leukemia. Review status: no classification provided. Collection method: in vitro. Allele origin: not applicable. Functional consequence: skipped exon, retained intron. Not counted in ClinVar's aggregate classification.

Dr. Peter K. Rogan Lab, Western University
No classification provided (evidence only). Condition: Acute myeloid leukemia. Review status: no classification provided. Collection method: in vitro. Allele origin: not applicable. Functional consequence: retained intron. Not counted in ClinVar's aggregate classification.

Dr. Peter K. Rogan Lab, Western University
No classification provided (evidence only). Condition: Acute myeloid leukemia. Review status: no classification provided. Collection method: in vitro. Allele origin: not applicable. Functional consequence: skipped exon, retained intron. Not counted in ClinVar's aggregate classification.

Dr. Peter K. Rogan Lab, Western University
No classification provided (evidence only). Condition: Acute myeloid leukemia. Review status: no classification provided. Collection method: in vitro. Allele origin: not applicable. Functional consequence: skipped exon, retained intron. Not counted in ClinVar's aggregate classification.

Dr. Peter K. Rogan Lab, Western University
No classification provided (evidence only). Condition: Colorectal cancer. Review status: no classification provided. Collection method: in vitro. Allele origin: not applicable. Functional consequence: skipped exon, retained intron. Not counted in ClinVar's aggregate classification.

Dr. Peter K. Rogan Lab, Western University
No classification provided (evidence only). Condition: Colorectal cancer. Review status: no classification provided. Collection method: in vitro. Allele origin: not applicable. Functional consequence: skipped exon, retained intron. Not counted in ClinVar's aggregate classification.

Dr. Peter K. Rogan Lab, Western University
No classification provided (evidence only). Condition: Colorectal cancer. Review status: no classification provided. Collection method: in vitro. Allele origin: not applicable. Functional consequence: skipped exon, retained intron. Not counted in ClinVar's aggregate classification.

Dr. Peter K. Rogan Lab, Western University
No classification provided (evidence only). Condition: Colorectal cancer. Review status: no classification provided. Collection method: in vitro. Allele origin: not applicable. Functional consequence: skipped exon, retained intron. Not counted in ClinVar's aggregate classification.

Dr. Peter K. Rogan Lab, Western University
No classification provided (evidence only). Condition: Colorectal cancer. Review status: no classification provided. Collection method: in vitro. Allele origin: not applicable. Functional consequence: skipped exon. Not counted in ClinVar's aggregate classification.

Dr. Peter K. Rogan Lab, Western University
No classification provided (evidence only). Condition: Colorectal cancer. Review status: no classification provided. Collection method: in vitro. Allele origin: not applicable. Functional consequence: skipped exon, retained intron. Not counted in ClinVar's aggregate classification.

Dr. Peter K. Rogan Lab, Western University
No classification provided (evidence only). Condition: Colorectal cancer. Review status: no classification provided. Collection method: in vitro. Allele origin: not applicable. Functional consequence: skipped exon, retained intron. Not counted in ClinVar's aggregate classification.

Dr. Peter K. Rogan Lab, Western University
No classification provided (evidence only). Condition: Colorectal cancer. Review status: no classification provided. Collection method: in vitro. Allele origin: not applicable. Functional consequence: skipped exon, retained intron. Not counted in ClinVar's aggregate classification.

Dr. Peter K. Rogan Lab, Western University
No classification provided (evidence only). Condition: Sarcoma. Review status: no classification provided. Collection method: in vitro. Allele origin: not applicable. Functional consequence: skipped exon, retained intron. Not counted in ClinVar's aggregate classification.

Dr. Peter K. Rogan Lab, Western University
No classification provided (evidence only). Condition: Sarcoma. Review status: no classification provided. Collection method: in vitro. Allele origin: not applicable. Functional consequence: skipped exon, retained intron. Not counted in ClinVar's aggregate classification.

Dr. Peter K. Rogan Lab, Western University
No classification provided (evidence only). Condition: Sarcoma. Review status: no classification provided. Collection method: in vitro. Allele origin: not applicable. Functional consequence: skipped exon. Not counted in ClinVar's aggregate classification.

Dr. Peter K. Rogan Lab, Western University
No classification provided (evidence only). Condition: Sarcoma. Review status: no classification provided. Collection method: in vitro. Allele origin: not applicable. Functional consequence: skipped exon. Not counted in ClinVar's aggregate classification.

Dr. Peter K. Rogan Lab, Western University
No classification provided (evidence only). Condition: Sarcoma. Review status: no classification provided. Collection method: in vitro. Allele origin: not applicable. Functional consequence: skipped exon. Not counted in ClinVar's aggregate classification.

Dr. Peter K. Rogan Lab, Western University
No classification provided (evidence only). Condition: Sarcoma. Review status: no classification provided. Collection method: in vitro. Allele origin: not applicable. Functional consequence: skipped exon, retained intron. Not counted in ClinVar's aggregate classification.

Dr. Peter K. Rogan Lab, Western University
No classification provided (evidence only). Condition: Sarcoma. Review status: no classification provided. Collection method: in vitro. Allele origin: not applicable. Functional consequence: skipped exon, retained intron. Not counted in ClinVar's aggregate classification.

Dr. Peter K. Rogan Lab, Western University
No classification provided (evidence only). Condition: Sarcoma. Review status: no classification provided. Collection method: in vitro. Allele origin: not applicable. Functional consequence: skipped exon, retained intron. Not counted in ClinVar's aggregate classification.

Dr. Peter K. Rogan Lab, Western University
No classification provided (evidence only). Condition: Sarcoma. Review status: no classification provided. Collection method: in vitro. Allele origin: not applicable. Functional consequence: skipped exon, retained intron. Not counted in ClinVar's aggregate classification.

Dr. Peter K. Rogan Lab, Western University
No classification provided (evidence only). Condition: Sarcoma. Review status: no classification provided. Collection method: in vitro. Allele origin: not applicable. Functional consequence: skipped exon, retained intron. Not counted in ClinVar's aggregate classification.

Dr. Peter K. Rogan Lab, Western University
No classification provided (evidence only). Condition: Sarcoma. Review status: no classification provided. Collection method: in vitro. Allele origin: not applicable. Functional consequence: skipped exon. Not counted in ClinVar's aggregate classification.

Dr. Peter K. Rogan Lab, Western University
No classification provided (evidence only). Condition: Sarcoma. Review status: no classification provided. Collection method: in vitro. Allele origin: not applicable. Functional consequence: skipped exon. Not counted in ClinVar's aggregate classification.

NM_007047.5(BTN3A2):c.715+2T>G

Gene: BTN3A2 (butyrophilin subfamily 3 member A2; plus strand). Cytogenetic location: 6p22.2.
Variant type: single nucleotide variant.
Coding change: c.715+2T>G on transcript NM_007047.5 (MANE Select); the canonical splice donor site of the intron after coding-DNA position 715, T replaced by G.
Molecular consequence: splice donor variant.
Genome position (GRCh38, 1-based): chr6:26,370,605, T>G. VCF-style: chr6-26370605-T-G. GRCh37 (hg19) VCF-style: chr6-26370833-T-G.
Other names: NC_000006.11:g.26370833T>G; c.715+2T>G (NM_001197247.3, NM_001197246.2); c.589+2T>G (NM_001197249.3); c.646+2T>G (NM_001197248.3).
Identifiers: ClinVar variation 1238754 (VCV001238754.4), dbSNP rs58367598, ClinGen allele CA3672140.